The following is an entry in ClinVar:

ClinVar aggregate classification (germline): Pathogenic (1 of 4 stars; one submission).

Conditions:
Gorlin syndrome. Also called: Basal cell nevus syndrome; Nevoid Basal Cell Carcinoma Syndrome. Identifiers: Orphanet 377, MedGen C0004779, MONDO:0007187.

Submission:

Labcorp Genetics (formerly Invitae), Labcorp
Classification: Pathogenic for Gorlin syndrome. Last evaluated: 2025-08-09. Review status: criteria provided, single submitter. Criteria: Invitae Variant Classification Sherloc (09022015). Collection method: clinical testing. Allele origin: germline.
Comment: This sequence change creates a premature translational stop signal (p.Gln816Thrfs*10) in the PTCH1 gene. It is expected to result in an absent or disrupted protein product. Loss-of-function variants in PTCH1 are known to be pathogenic (PMID: 16301862, 16419085). This variant is not present in population databases (gnomAD no frequency). This variant has not been reported in the literature in individuals affected with PTCH1-related conditions. For these reasons, this variant has been classified as Pathogenic.

Literature cited by the submitters: PubMed 16301862; PubMed 16419085.

NM_000264.5(PTCH1):c.2445_2457del (p.Gln816fs)

Genes: PTCH1 (patched 1; minus strand), LOC100507346 (uncharacterized LOC100507346; plus strand). Cytogenetic location: 9q22.32.
Variant type: Deletion.
Coding change: c.2445_2457del on transcript NM_000264.5 (MANE Select); coding-DNA positions 2445 to 2457, 13 bases deleted (CCAGCACTTACTT).
Protein change: p.Gln816fs; shifts the reading frame from glutamine 816.
Molecular consequence: frameshift variant. On other transcripts: non-coding transcript variant (1).
Genome position (GRCh38, 1-based): chr9:95,467,219-95,467,231, AAGTAAGTGCTGG deleted on the plus strand (CCAGCACTTACTT on the coding strand, the reverse complement: PTCH1 is on the minus strand); deleting any 13 consecutive bases within chr9:95,467,219-95,467,232 gives the same sequence; the c. name uses the placement nearest the transcript's 3' end. VCF-style (leftmost placement, unchanged base first): chr9-95467218-AAAGTAAGTGCTGG-A. GRCh37 (hg19) VCF-style: chr9-98229500-AAAGTAAGTGCTGG-A.
Other names: c.2247_2259del, p.Gln750fs (NM_001083602.3); c.2442_2454del, p.Gln815fs (NM_001083603.3); c.1992_2004del, p.Gln665fs (NM_001083604.3, NM_001083605.3, NM_001083606.3 and 1 more transcripts); c.2289_2301del, p.Gln764fs (NM_001354918.2); short protein forms Q665fs, Q815fs, Q750fs, Q764fs, Q816fs.
Identifiers: ClinVar variation 4725047 (VCV004725047.1).